The following is an entry in ClinVar:

ClinVar aggregate classification (germline): Likely pathogenic (1 of 4 stars; one submission).

Conditions:
Fabry disease. Also called: ALPHA-GALACTOSIDASE A DEFICIENCY; ANDERSON-FABRY DISEASE; CERAMIDE TRIHEXOSIDASE DEFICIENCY; GLA DEFICIENCY; HEREDITARY DYSTOPIC LIPIDOSIS; Angiokeratoma corporis diffusum. Identifiers: Orphanet 324, MedGen C0002986, MONDO:0010526, OMIM 301500, HP:0001071. Disease mechanism: Fabry disease is due to inactivating mutations in the X-linked GLA gene resulting in deficiency of the enzyme Alpha Galactosidase-A., loss of function.

Submission:

Genomenon, Inc
Classification: Likely pathogenic for Fabry disease. Last evaluated: 2026-09-08. Review status: criteria provided, single submitter. Criteria: Genomenon Sequence Variant Interpretation Standards - Updated. Collection method: curation. Allele origin: germline. Affected: yes.
Comment: GLA p.Cys12_Leu14del (c.34_42del) is an in-frame deletion that results in the loss of multiple amino acids, from Cysteine at codon 12 to Leucine at codon 14. This variant has been observed in at least one proband with clinical features consistent with Fabry disease (PMID:19621417). At least one functional study has demonstrated a substantial alteration in protein function relative to the wild-type (PMID:19621417;27657681). It is absent or not present at a significant frequency in gnomAD. In conclusion, we classify GLA p.Cys12_Leu14del (c.34_42del) as a likely pathogenic variant.

Literature cited by the submitters: PubMed 19621417; PubMed 27657681.

NM_000169.3(GLA):c.34_42del (p.Cys12_Leu14del)

Genes: GLA (galactosidase alpha; minus strand), RPL36A-HNRNPH2 (RPL36A-HNRNPH2 readthrough; plus strand). Cytogenetic location: Xq22.1.
Variant type: Deletion.
Coding change: c.34_42del on transcript NM_000169.3 (MANE Select); coding-DNA positions 34 to 42, 9 bases deleted (TGCGCGCTT; older notation c.34_42delTGCGCGCTT).
Protein change: p.Cys12_Leu14del.
Molecular consequence: inframe deletion. On other transcripts: non-coding transcript variant (3), intron variant (2).
Genome position (GRCh38, 1-based): chrX:101,407,862-101,407,870, AAGCGCGCA deleted on the plus strand (TGCGCGCTT on the coding strand, the reverse complement: GLA is on the minus strand). VCF-style (leftmost placement, unchanged base first): chrX-101407861-CAAGCGCGCA-C. GRCh37 (hg19) VCF-style: chrX-100662849-CAAGCGCGCA-C.
Other names: c.34_42del, p.Cys12_Leu14del (NM_001406747.1, NM_001406748.1, NM_001406749.1); c.301-4074_301-4066del (NM_001199973.2); c.178-4074_178-4066del (NM_001199974.2).
Identifiers: ClinVar variation 4087012 (VCV004087012.2).